The following is an entry in ClinVar:

ClinVar aggregate classification (germline): Benign (1 of 4 stars; one submission).

Conditions:
Von Hippel-Lindau syndrome (VHLS). Also called: Von Hippel-Lindau; VHL syndrome; von Hippel–Lindau syndrome. Identifiers: Orphanet 892, MedGen C0019562, MONDO:0008667, OMIM 193300. Disease mechanism: loss of function.

Allele frequency attached by ClinVar (database versions not stated): gnomAD exomes 0.00118; gnomAD 0.00596 and 0.00642; 1000 Genomes Project 0.00679; TOPMed 0.00700; 1000 Genomes Project 30x 0.00765.
gnomAD v4.1: 954 of 197,498 alleles (0.48%); highest among the groups gnomAD compares: African/African-American, 2%; 13 homozygotes.

Submission:

Illumina Laboratory Services, Illumina
Classification: Benign for Von Hippel-Lindau syndrome. Last evaluated: 2018-01-12. Review status: criteria provided, single submitter. Criteria: ICSL Variant Classification Criteria 13 December 2019. Collection method: clinical testing. Allele origin: germline.
Comment: This variant was observed in the ICSL laboratory as part of a predisposition screen in an ostensibly healthy population. It had not been previously curated by ICSL or reported in the Human Gene Mutation Database (HGMD: prior to June 1st, 2018), and was therefore a candidate for classification through an automated scoring system. Utilizing variant allele frequency, disease prevalence and penetrance estimates, and inheritance mode, an automated score was calculated to assess if this variant is too frequent to cause the disease. Based on the score and internal cut-off values, a variant classified as benign is not then subjected to further curation. The score for this variant resulted in a classification of benign for this disease.

NM_000551.4(VHL):c.*1222A>G

Genes: VHL (von Hippel-Lindau tumor suppressor; plus strand), LOC107303340 (3p25 von Hippel-Lindau tumor suppressor, E3 ubiquitin protein ligase Alu-mediated recombination region; plus strand). Cytogenetic location: 3p25.3.
Variant type: single nucleotide variant.
Coding change: c.*1222A>G on transcript NM_000551.4 (MANE Select); 1222 bases downstream of the stop codon, A replaced by G.
Molecular consequence: 3 prime UTR variant.
Genome position (GRCh38, 1-based): chr3:10,151,187, A>G. VCF-style: chr3-10151187-A-G. GRCh37 (hg19) VCF-style: chr3-10192871-A-G.
Other names: c.*1418A>G (NM_001354723.2); c.*1222A>G (NM_198156.3).
Identifiers: ClinVar variation 902299 (VCV000902299.4), dbSNP rs72563744, ClinGen allele CA70053541.